The following is an entry in ClinVar:

NM_177972.3(TUB):c.340G>A (p.Ala114Thr)

Genes: RIC3 (RIC3 acetylcholine receptor chaperone; minus strand), TUB (TUB bipartite transcription factor; plus strand). Cytogenetic location: 11p15.4.
Variant type: single nucleotide variant.
Coding change: c.340G>A on transcript NM_177972.3 (MANE Select); coding-DNA position 340, G replaced by A.
Protein change: p.Ala114Thr; replaces alanine 114 with threonine.
Molecular consequence: missense variant. On other transcripts: non-coding transcript variant (1).
Genome position (GRCh38, 1-based): chr11:8,094,132, G>A. VCF-style: chr11-8094132-G-A. GRCh37 (hg19) VCF-style: chr11-8115679-G-A.
Other names: c.358G>A, p.Ala120Thr (NM_001440538.1, NM_001440539.1, NM_001440540.1 and 1 more transcripts); c.340G>A, p.Ala114Thr (NM_001440541.1); c.505G>A, p.Ala169Thr (NM_003320.5); short protein forms A114T, A169T, A120T.
Identifiers: ClinVar variation 4996886 (VCV004996886.1).
Genomic context (GRCh38, chr11:8,094,132, plus strand): 5'-GTGCAGCTGGGAGCCACGCGCCCAACAGCACCAGCTTCAGCCAAGAGAACCAAGGCGGCA[G>A]CTACAGCAGGGGGCCAGGGTGGCGCCGCTAGGAAGGAGAAGAAGGGAAAGCACAAAGGTC-3'
Protein context (NP_813977.1, residues 104-124): PASAKRTKAA[Ala114Thr]TAGGQGGAAR

ClinVar aggregate classification (germline): Uncertain significance (1 of 4 stars; one submission).

Conditions:
TUB-related disorder. Also called: TUB-related condition.

Submission:

PreventionGenetics, part of Exact Sciences
Classification: Uncertain significance for TUB-related condition. Last evaluated: 2025-08-05. Review status: criteria provided, single submitter. Criteria: ACMG Guidelines, 2015. Collection method: clinical testing. Allele origin: germline.
Comment: The TUB c.505G>A variant is predicted to result in the amino acid substitution p.Ala169Thr. To our knowledge, this variant has not been reported in the literature or in a large population database (gnomAD), indicating this variant is rare. At this time, the clinical significance of this variant is uncertain due to the absence of conclusive functional and genetic evidence.